The following is an entry in ClinVar:

NM_001375405.1(CEP120):c.1763+4A>G

Gene: CEP120 (centrosomal protein 120; minus strand). Cytogenetic location: 5q23.2.
Variant type: single nucleotide variant.
Coding change: c.1763+4A>G on transcript NM_001375405.1 (MANE Select); 4 bases into the intron after coding-DNA position 1763, A replaced by G.
Molecular consequence: intron variant.
Genome position (GRCh38, 1-based): chr5:123,384,947, T>C on the plus strand (A>G on the coding strand, the complement: CEP120 is on the minus strand). VCF-style: chr5-123384947-T-C. GRCh37 (hg19) VCF-style: chr5-122720641-T-C.
Other names: c.1685+4A>G (NM_001166226.2); c.1763+4A>G (NM_153223.4, NM_001375407.1); c.1190+4A>G (NM_001375408.1, NM_001375409.1); c.1628+4A>G (NM_001375406.1).
Identifiers: ClinVar variation 4531097 (VCV004531097.1).
Genomic context (GRCh38, chr5:123,384,947, plus strand): 5'-ACTAATCAAAATCATTCCATGAATTGAAAAGAAAAGCAAATACCAATTCTGTGAAATGCA[T>C]TACCCTTGTGCTGCTATAACAGGCACACTTTCACTGTAAGTTTGACGCCAACACTGTTCA-3'

ClinVar aggregate classification (germline): Uncertain significance (1 of 4 stars; one submission).

Submission:

GeneDx
Classification: Uncertain significance. Last evaluated: 2025-05-22. Review status: criteria provided, single submitter. Criteria: GeneDx Variant Classification Process June 2021. Collection method: clinical testing. Allele origin: germline. Affected: yes.
Comment: Not observed at significant frequency in large population cohorts (gnomAD); In silico analysis supports a deleterious effect on splicing; Has not been previously published as pathogenic or benign to our knowledge